The following is an entry in ClinVar:

NM_004415.4(DSP):c.2687A>G (p.Gln896Arg)

Gene: DSP (desmoplakin; plus strand). Cytogenetic location: 6p24.3.
Variant type: single nucleotide variant.
Coding change: c.2687A>G on transcript NM_004415.4 (MANE Select); coding-DNA position 2687, A replaced by G.
Protein change: p.Gln896Arg; replaces glutamine 896 with arginine.
Molecular consequence: missense variant.
Genome position (GRCh38, 1-based): chr6:7,576,350, A>G. VCF-style: chr6-7576350-A-G. GRCh37 (hg19) VCF-style: chr6-7576583-A-G.
Other names: c.2687A>G, p.Gln896Arg (NM_001008844.3, NM_001319034.2); short protein forms Q896R.
Identifiers: ClinVar variation 1331779 (VCV001331779.3), dbSNP rs2113686568, ClinGen allele CA362681909.

ClinVar aggregate classification (germline): Uncertain significance (1 of 4 stars; one submission).

Conditions:
Cardiomyopathy (CMYO). Also called: Cardiomyopathies. Identifiers: Orphanet 167848, MedGen C0878544, MONDO:0004994, HP:0001638. Inheritance: Various modes of inheritance.

Allele frequency attached by ClinVar (database versions not stated): gnomAD exomes below 0.00001.
gnomAD v4.1: 1 of 1,614,174 alleles (0.000062%); highest among the groups gnomAD compares: Non-Finnish European, 0.000085%; no homozygotes.

Submission:

Color Diagnostics, LLC DBA Color Health
Classification: Uncertain significance for Cardiomyopathy. Last evaluated: 2024-03-07. Review status: criteria provided, single submitter. Criteria: ACMG Guidelines, 2015. Collection method: clinical testing. Allele origin: germline.
Comment: This missense variant replaces glutamine with arginine at codon 896 of the DSP protein. Computational prediction suggests that this variant may not impact protein structure and function (internally defined REVEL score threshold <= 0.5, PMID: 27666373). To our knowledge, functional studies have not been reported for this variant. This variant has not been reported in individuals affected with cardiovascular disorders in the literature. This variant has not been identified in the general population by the Genome Aggregation Database (gnomAD). The available evidence is insufficient to determine the role of this variant in disease conclusively. Therefore, this variant is classified as a Variant of Uncertain Significance.